The following is an entry in ClinVar:

ClinVar aggregate classification (germline): Benign/Likely benign. Review status: criteria provided, multiple submitters, no conflicts (2 of 4 stars). 4 submissions from 4 submitters: Benign (3); Likely benign (1). Last evaluated 2026-01-24.

Conditions:
Bethlem myopathy 1A. Also called: Bethlem myopathy 1; Bethlem Muscular Dystrophy; MYOPATHY, BENIGN CONGENITAL, WITH CONTRACTURES. Identifiers: Orphanet 610, MedGen CN029274, MONDO:0024530, OMIM 158810.

Allele frequency attached by ClinVar (database versions not stated): gnomAD exomes 0.00041 and 0.00099; ExAC 0.00121; 1000 Genomes Project 30x 0.00375; 1000 Genomes Project 0.00399; gnomAD 0.00417 and 0.00444; TOPMed 0.00437; ESP Exome Variant Server 0.00469.
gnomAD v4.1: 1,256 of 1,614,136 alleles (0.078%); highest among the groups gnomAD compares: African/African-American, 1.5%; 13 homozygotes.

Submissions (4):

Labcorp Genetics (formerly Invitae), Labcorp
Classification: Benign for Bethlem myopathy 1A. Last evaluated: 2026-01-24. Review status: criteria provided, single submitter. Criteria: Invitae Variant Classification Sherloc (09022015). Collection method: clinical testing. Allele origin: germline.

Blueprint Genetics
Classification: Likely benign. Last evaluated: 2024-11-21. Review status: criteria provided, single submitter. Criteria: ACMG Guidelines, 2015. Collection method: clinical testing. Allele origin: germline.

Mayo Clinic Laboratories, Mayo Clinic
Classification: Benign. Last evaluated: 2022-09-01. Review status: criteria provided, single submitter. Criteria: ACMG Guidelines, 2015. Collection method: clinical testing. Allele origin: germline. Observed: 3 variant alleles.
Comment: BS1, BS2, BP4, BP7

GeneDx
Classification: Benign. Last evaluated: 2018-11-08. Review status: criteria provided, single submitter. Criteria: GeneDx Variant Classification Process June 2021. Collection method: clinical testing. Allele origin: germline. Affected: yes.

NM_004369.4(COL6A3):c.3456C>T (p.Ser1152=)

Gene: COL6A3 (collagen type VI alpha 3 chain; minus strand). Cytogenetic location: 2q37.3.
Variant type: single nucleotide variant.
Coding change: c.3456C>T on transcript NM_004369.4 (MANE Select); coding-DNA position 3456, C replaced by T.
Protein change: p.Ser1152=; no amino-acid change (serine 1152 retained).
Molecular consequence: synonymous variant.
Genome position (GRCh38, 1-based): chr2:237,374,635, G>A on the plus strand (C>T on the coding strand, the complement: COL6A3 is on the minus strand). VCF-style: chr2-237374635-G-A. GRCh37 (hg19) VCF-style: chr2-238283278-G-A.
Other names: p.Ser1152=; c.2235C>T, p.Ser745= (NM_057164.5); c.2838C>T, p.Ser946= (NM_057165.5, NM_057167.4); c.1635C>T, p.Ser545= (NM_057166.5).
Identifiers: ClinVar variation 390039 (VCV000390039.17), dbSNP rs112815265, ClinGen allele CA2189165.